The following is an entry in ClinVar:

ClinVar aggregate classification (germline): Benign/Likely benign. Review status: criteria provided, multiple submitters, no conflicts (2 of 4 stars). 4 submissions from 4 submitters: Benign (2); Likely benign (2). Last evaluated 2026-03-01.

Allele frequency attached by ClinVar (database versions not stated): ESP Exome Variant Server 0.00017; gnomAD exomes 0.00028 and 0.00082; gnomAD 0.00036; TOPMed 0.00045; ExAC 0.00125.
gnomAD v4.1: 472 of 1,551,334 alleles (0.03%); highest among the groups gnomAD compares: Admixed American, 0.061%; 3 homozygotes.

Submissions (4):

CeGaT Center for Human Genetics Tuebingen
Classification: Likely benign. Last evaluated: 2026-03-01. Review status: criteria provided, single submitter. Criteria: CeGaT Center For Human Genetics Tuebingen Variant Classification Criteria Version 2. Collection method: clinical testing. Allele origin: germline. Affected: yes. Observed: 4 variant alleles.
Comment: DEAF1: BP4, BP7

Labcorp Genetics (formerly Invitae), Labcorp
Classification: Benign. Last evaluated: 2025-12-26. Review status: criteria provided, single submitter. Criteria: Invitae Variant Classification Sherloc (09022015). Collection method: clinical testing. Allele origin: germline.

Genetic Services Laboratory, University of Chicago
Classification: Benign. Last evaluated: 2017-09-28. Review status: criteria provided, single submitter. Criteria: ACMG Guidelines, 2015. Collection method: clinical testing. Allele origin: germline. Affected: no.

Breakthrough Genomics
Classification: Likely benign. Review status: criteria provided, single submitter. Criteria: ACMG Guidelines, 2015. Collection method: not provided. Allele origin: germline. Inheritance: Autosomal recessive inheritance. Affected: yes.

NM_021008.4(DEAF1):c.855C>T (p.Cys285=)

Gene: DEAF1 (DEAF1 transcription factor; minus strand). Cytogenetic location: 11p15.5.
Variant type: single nucleotide variant.
Coding change: c.855C>T on transcript NM_021008.4 (MANE Select); coding-DNA position 855, C replaced by T.
Protein change: p.Cys285=; no amino-acid change (cysteine 285 retained).
Molecular consequence: synonymous variant. On other transcripts: nonsense (1).
Genome position (GRCh38, 1-based): chr11:684,913, G>A on the plus strand (C>T on the coding strand, the complement: DEAF1 is on the minus strand). VCF-style: chr11-684913-G-A. GRCh37 (hg19) VCF-style: chr11-684913-G-A.
Other names: c.715C>T, p.Arg239Ter (NM_001293634.2); c.129C>T, p.Cys43= (NM_001367390.1); short protein forms R239*.
Identifiers: ClinVar variation 1170765 (VCV001170765.48), dbSNP rs373861624, ClinGen allele CA5786416.
Genomic context (GRCh38, chr11:684,913, plus strand): 5'-CCAGCCCCACCAAGTCATCCTGTTCCAGACACGCTGGCCACTTACTAAGGTCATGTCGTC[G>A]CAGCAGGCAGCACAGGTGCAAGAGGCAGCGTGAGGGTTTAAGATCCCATCCTGAGATGTG-3'
Protein context (NP_066288.2, residues 275-295): HAASCTCAAC[Cys285=]DDMTLSGPVR